The following is an entry in ClinVar:

ClinVar aggregate classification (germline): Uncertain significance (1 of 4 stars; one submission).

Conditions:
Fanconi anemia (FA). Also called: Fanconi's anemia. Identifiers: Orphanet 84, MedGen C0015625, MeSH D005199, MONDO:0019391.

Submission:

Labcorp Genetics (formerly Invitae), Labcorp
Classification: Uncertain significance for Fanconi anemia. Last evaluated: 2025-05-05. Review status: criteria provided, single submitter. Criteria: Invitae Variant Classification Sherloc (09022015). Collection method: clinical testing. Allele origin: germline.
Comment: This sequence change replaces serine, which is neutral and polar, with threonine, which is neutral and polar, at codon 1448 of the FANCM protein (p.Ser1448Thr). This variant is not present in population databases (gnomAD no frequency). This variant has not been reported in the literature in individuals affected with FANCM-related conditions. ClinVar contains an entry for this variant (Variation ID: 2007668). An algorithm developed to predict the effect of missense changes on protein structure and function (PolyPhen-2) suggests that this variant is likely to be disruptive. In summary, the available evidence is currently insufficient to determine the role of this variant in disease. Therefore, it has been classified as a Variant of Uncertain Significance.

NM_020937.4(FANCM):c.4342T>A (p.Ser1448Thr)

Gene: FANCM (FA complementation group M; plus strand). Cytogenetic location: 14q21.2.
Variant type: single nucleotide variant.
Coding change: c.4342T>A on transcript NM_020937.4 (MANE Select); coding-DNA position 4342, T replaced by A.
Protein change: p.Ser1448Thr; replaces serine 1448 with threonine.
Molecular consequence: missense variant.
Genome position (GRCh38, 1-based): chr14:45,181,661, T>A. VCF-style: chr14-45181661-T-A. GRCh37 (hg19) VCF-style: chr14-45650864-T-A.
Other names: c.4264T>A, p.Ser1422Thr (NM_001308133.2); short protein forms S1422T, S1448T.
Identifiers: ClinVar variation 2007668 (VCV002007668.4), dbSNP rs2503214507, ClinGen allele CA389607308.